The following is an entry in ClinVar:

ClinVar aggregate classification (germline): Likely benign (1 of 4 stars; one submission).

gnomAD v4.1: 7,001 of 1,378,790 alleles (0.51%); highest among the groups gnomAD compares: Non-Finnish European, 0.67%; 1,993 homozygotes.

Submission:

CeGaT Center for Human Genetics Tuebingen
Classification: Likely benign. Last evaluated: 2026-07-01. Review status: criteria provided, single submitter. Criteria: CeGaT Center For Human Genetics Tuebingen Variant Classification Criteria Version 2. Collection method: clinical testing. Allele origin: germline. Affected: yes. Observed: 2 variant alleles.
Comment: RHD: BP4, BS2

NM_016124.6(RHD):c.520G>A (p.Val174Met)

Genes: RHD (Rh blood group D antigen; plus strand), RSRP1 (arginine and serine rich protein 1; minus strand). Cytogenetic location: 1p36.11.
Variant type: single nucleotide variant.
Coding change: c.520G>A on transcript NM_016124.6 (MANE Select); coding-DNA position 520, G replaced by A.
Protein change: p.Val174Met; replaces valine 174 with methionine.
Molecular consequence: missense variant. On other transcripts: intron variant (1).
Genome position (GRCh38, 1-based): chr1:25,300,979, G>A. VCF-style: chr1-25300979-G-A. GRCh37 (hg19) VCF-style: chr1-25627470-G-A.
Other names: c.520G>A, p.Val174Met (NM_001127691.3, NM_001282868.1, NM_001282869.2 and 3 more transcripts); c.22G>A, p.Val8Met (NM_001282867.1); c.-67+36061C>T (NM_001321772.2); short protein forms V174M, V8M.
Identifiers: ClinVar variation 4820711 (VCV004820711.4).
Genomic context (GRCh38, chr1:25,300,979, plus strand): 5'-CACTGCTCTTACTGGGTTTTATTGCAGACAGACTACCACATGAACATGATGCACATCTAC[G>A]TGTTCGCAGCCTATTTTGGGCTGTCTGTGGCCTGGTGCCTGCCAAAGCCTCTACCCGAGG-3'
Protein context (NP_057208.3, residues 164-184): DYHMNMMHIY[Val174Met]FAAYFGLSVA